The following is an entry in ClinVar:

NM_000312.4(PROC):c.962C>T (p.Pro321Leu)

Gene: PROC (protein C, inactivator of coagulation factors Va and VIIIa; plus strand). Cytogenetic location: 2q14.3.
Variant type: single nucleotide variant.
Coding change: c.962C>T on transcript NM_000312.4 (MANE Select); coding-DNA position 962, C replaced by T.
Protein change: p.Pro321Leu; replaces proline 321 with leucine.
Molecular consequence: missense variant.
Genome position (GRCh38, 1-based): chr2:127,428,522, C>T. VCF-style: chr2-127428522-C-T. GRCh37 (hg19) VCF-style: chr2-128186098-C-T.
Other names: c.1145C>T, p.Pro382Leu (NM_001375602.1); c.1127C>T, p.Pro376Leu (NM_001375603.1); c.1025C>T, p.Pro342Leu (NM_001375604.1); c.1064C>T, p.Pro355Leu (NM_001375605.1); c.1130C>T, p.Pro377Leu (NM_001375606.1); c.1148C>T, p.Pro383Leu (NM_001375607.1); c.905C>T, p.Pro302Leu (NM_001375608.1); c.938C>T, p.Pro313Leu (NM_001375609.1); and 2 more; short protein forms P321L, P302L, P313L, P319L, P342L, P355L, P376L, P377L.
Identifiers: ClinVar variation 568712 (VCV000568712.15), dbSNP rs1321566264, ClinGen allele CA348405099.

ClinVar aggregate classification (germline): Pathogenic/Likely pathogenic. Review status: criteria provided, multiple submitters, no conflicts (2 of 4 stars). 5 submissions from 5 submitters: Pathogenic (2); Likely pathogenic (3). Last evaluated 2026-03-24.

Conditions:
Thrombophilia due to protein C deficiency, autosomal dominant. Also called: PROC DEFICIENCY, AUTOSOMAL DOMINANT; PROTEIN C DEFICIENCY, AUTOSOMAL DOMINANT. Identifiers: Orphanet 745, MedGen C2674321, MONDO:0008316, OMIM 176860. Disease mechanism: loss of function.
PROC-related disorder. Also called: PROC-related condition.
Deep venous thrombosis. Also called: Deep vein thrombosis. Identifiers: MedGen C0149871, MeSH D020246, HP:0002625.

Allele frequency attached by ClinVar (database versions not stated): gnomAD 0.00001; gnomAD exomes 0.00001; TOPMed 0.00001.
gnomAD v4.1: 9 of 1,613,898 alleles (0.00056%); highest among the groups gnomAD compares: African/African-American, 0.0027%; no homozygotes.

Submissions (5):

Dasa
Classification: Likely pathogenic. Last evaluated: 2026-03-24. Review status: criteria provided, single submitter. Criteria: DASA Assertion Criteria. Collection method: clinical testing. Allele origin: germline.
Comment: NM_000312.4(PROC):c.962C>T (p.Pro321Leu) is a missense variant that results in the substitution of proline with leucine. The affected residue or protein region has prior evidence supporting clinical relevance. This variant has been reported in individuals with PROC-related disorders (PMID: 31254973). Segregation data support an association with disease in the reported family/families (PMID: 31254973). Also, this variant is rare in population databases. Computational evidence supports a deleterious effect. Based on the currently available evidence, this variant is classified as likely pathogenic.

Labcorp Genetics (formerly Invitae), Labcorp
Classification: Pathogenic for Thrombophilia due to protein C deficiency, autosomal dominant. Last evaluated: 2025-12-23. Review status: criteria provided, single submitter. Criteria: Invitae Variant Classification Sherloc (09022015). Collection method: clinical testing. Allele origin: germline.
Comment: This sequence change replaces proline, which is neutral and non-polar, with leucine, which is neutral and non-polar, at codon 321 of the PROC protein (p.Pro321Leu). This variant is present in population databases (no rsID available, gnomAD 0.01%). This missense change has been observed in individuals with protein C deficiency (PMID: 8499565, 17152060, 31254973; internal data). This variant is also known as p.Pro279Leu. ClinVar contains an entry for this variant (Variation ID: 568712). Invitae Evidence Modeling of protein sequence and biophysical properties (such as structural, functional, and spatial information, amino acid conservation, physicochemical variation, residue mobility, and thermodynamic stability) indicates that this missense variant is expected to disrupt PROC protein function with a positive predictive value of 80%. For these reasons, this variant has been classified as Pathogenic.

PreventionGenetics, part of Exact Sciences
Classification: Pathogenic for PROC-related condition. Last evaluated: 2025-12-05. Review status: criteria provided, single submitter. Criteria: ACMG Guidelines, 2015. Collection method: clinical testing. Allele origin: germline.
Comment: The PROC c.962C>T variant is predicted to result in the amino acid substitution p.Pro321Leu. This variant, also reported as 8551C>T (p.Pro279Leu) using legacy nomenclature, has been reported mostly in the heterozygous state, and once in the compound heterozygous state, in individuals with protein C deficiency (Poort et al. 1993. PubMed ID: 8499565; Table S2, Martos et al. 2019. PubMed ID: 31254973; Tang et al. 2022. PubMed ID: 35026611; Alhenc-Gelas et al. 2020. PubMed ID: 32717757). This variant is reported in 0.011% of alleles in individuals of African descent in gnomAD. This variant is interpreted as pathogenic.

Genetics and Molecular Pathology, SA Pathology
Classification: Likely pathogenic for Thrombophilia due to protein C deficiency, autosomal dominant. Last evaluated: 2019-09-26. Review status: criteria provided, single submitter. Criteria: ACMG Guidelines, 2015. Collection method: clinical testing. Allele origin: germline. Affected: yes.

NIHR Bioresource Rare Diseases, University of Cambridge
Classification: Likely pathogenic for Deep venous thrombosis. Last evaluated: 2019-02-01. Review status: criteria provided, single submitter. Criteria: ACMG Guidelines, 2015. Collection method: research. Allele origin: unknown. Affected: yes. Observed: 1 heterozygote. Study: ThromboGenomics.

Literature cited by the submitters: PubMed 8499565 (cited by Dasa and Labcorp Genetics (formerly Invitae), Labcorp); PubMed 17152060 (cited by Dasa and Labcorp Genetics (formerly Invitae), Labcorp); PubMed 31064749 (cited by Dasa and NIHR Bioresource Rare Diseases, University of Cambridge); PubMed 31254973 (cited by Dasa and Labcorp Genetics (formerly Invitae), Labcorp).